The following is an entry in ClinVar:

ClinVar aggregate classification (germline): Uncertain significance. Review status: criteria provided, multiple submitters, no conflicts (2 of 4 stars). 2 submissions from 2 submitters: Uncertain significance (2). Last evaluated 2026-06-16.

gnomAD v4.1: 13 of 1,613,300 alleles (0.00081%); highest among the groups gnomAD compares: East Asian, 0.029%; no homozygotes.

Submissions (2):

Women's Health and Genetics/Laboratory Corporation of America, LabCorp
Classification: Uncertain significance. Last evaluated: 2026-06-16. Review status: criteria provided, single submitter. Criteria: LabCorp Variant Classification Summary - May 2015. Collection method: clinical testing. Allele origin: germline.
Comment: Variant summary: SNRPN c.490G>T (p.Ala164Ser) results in a conservative amino acid change in the encoded protein sequence. Algorithms developed to predict the effect of missense changes on protein structure and function are either unavailable or do not agree on the potential impact of this missense change. The variant allele was found at a frequency of 1.6e-05 in 246298 control chromosomes. The available data on variant occurrences in the general population are insufficient to allow any conclusion about variant significance. To our knowledge, no occurrence of c.490G>T in individuals affected with SNRPN-related conditions and no experimental evidence demonstrating its impact on protein function have been reported. ClinVar contains an entry for this variant (Variation ID: 3446783). Based on the evidence outlined above, the variant was classified as uncertain significance.

Ambry Genetics
Classification: Uncertain significance. Last evaluated: 2024-08-10. Review status: criteria provided, single submitter. Criteria: Ambry Variant Classification Scheme 2023. Collection method: clinical testing. Allele origin: germline.

NM_003097.6(SNRPN):c.490G>T (p.Ala164Ser)

Genes: SNHG14 (small nucleolar RNA host gene 14; plus strand), SNRPN (small nuclear ribonucleoprotein polypeptide N; plus strand), SNURF (SNRPN upstream open reading frame; plus strand). Cytogenetic location: 15q11.2.
Variant type: single nucleotide variant.
Coding change: c.490G>T on transcript NM_003097.6 (MANE Select); coding-DNA position 490, G replaced by T.
Protein change: p.Ala164Ser; replaces alanine 164 with serine.
Molecular consequence: missense variant. On other transcripts: 3 prime UTR variant (1), non-coding transcript variant (1).
Genome position (GRCh38, 1-based): chr15:24,977,847, G>T. VCF-style: chr15-24977847-G-T. GRCh37 (hg19) VCF-style: chr15-25222994-G-T.
Other names: c.490G>T, p.Ala164Ser (NM_001378249.1, NM_001400634.1, NM_001400635.1 and 99 more transcripts); c.502G>T, p.Ala168Ser (NM_001378251.1, NM_001378252.1, NM_001378253.1 and 2 more transcripts); c.466G>T, p.Ala156Ser (NM_001378256.1, NM_001378257.1, NM_001400767.1); c.226G>T, p.Ala76Ser (NM_001400768.1); c.*678G>T (NM_005678.5); short protein forms A164S, A76S, A168S, A156S.
Identifiers: ClinVar variation 3446783 (VCV003446783.2).